The following is an entry in ClinVar:

ClinVar aggregate classification (germline): Likely pathogenic (1 of 4 stars; one submission).

Submission:

GeneDx
Classification: Likely pathogenic. Last evaluated: 2016-02-16. Review status: criteria provided, single submitter. Criteria: GeneDx Variant Classification (06012015). Collection method: clinical testing. Allele origin: germline. Affected: yes.
Comment: The E104G variant in the SMC1A gene has not been reported previously as a pathogenic variant, nor as a benign variant, to our knowledge. The E104G variant was not observed in approximately 6,500 individuals of European and African American ancestry in the NHLBI Exome Sequencing Project, indicating it is not a common benign variant in these populations. The E104G variant is a non-conservative amino acid substitution, which is likely to impact secondary protein structure as these residues differ in polarity, charge, size and/or other properties. This substitution occurs at a position that is conserved across species, and in silico analysis predicts this variant is probably damaging to the protein structure/function. The E104G variant is a strong candidate for a pathogenic variant, However, the possibility it may be a rare benign variant cannot be excluded.

NM_006306.4(SMC1A):c.311A>G (p.Glu104Gly)

Gene: SMC1A (structural maintenance of chromosomes 1A; minus strand). Cytogenetic location: Xp11.22.
Variant type: single nucleotide variant.
Coding change: c.311A>G on transcript NM_006306.4 (MANE Select); coding-DNA position 311, A replaced by G.
Protein change: p.Glu104Gly; replaces glutamic acid 104 with glycine.
Molecular consequence: missense variant.
Genome position (GRCh38, 1-based): chrX:53,414,858, T>C on the plus strand (A>G on the coding strand, the complement: SMC1A is on the minus strand). VCF-style: chrX-53414858-T-C. GRCh37 (hg19) VCF-style: chrX-53441807-T-C.
Other names: c.245A>G, p.Glu82Gly (NM_001281463.1); short protein forms E104G, E82G.
Identifiers: ClinVar variation 432073 (VCV000432073.2), dbSNP rs1556891059, ClinGen allele CA413131844.